The following is an entry in ClinVar:

ClinVar aggregate classification (germline): Uncertain significance (1 of 4 stars; one submission).

Allele frequency attached by ClinVar (database versions not stated): gnomAD exomes below 0.00001.

Submission:

Labcorp Genetics (formerly Invitae), Labcorp
Classification: Uncertain significance. Last evaluated: 2023-07-07. Review status: criteria provided, single submitter. Criteria: Invitae Variant Classification Sherloc (09022015). Collection method: clinical testing. Allele origin: germline.
Comment: ClinVar contains an entry for this variant (Variation ID: 1991363). An algorithm developed to predict the effect of missense changes on protein structure and function (PolyPhen-2) suggests that this variant is likely to be tolerated. In summary, the available evidence is currently insufficient to determine the role of this variant in disease. Therefore, it has been classified as a Variant of Uncertain Significance. This sequence change replaces methionine, which is neutral and non-polar, with valine, which is neutral and non-polar, at codon 1521 of the AHDC1 protein (p.Met1521Val). This variant is not present in population databases (gnomAD no frequency). This variant has not been reported in the literature in individuals affected with AHDC1-related conditions.

NM_001371928.1(AHDC1):c.4561A>G (p.Met1521Val)

Gene: AHDC1 (AT-hook DNA binding motif containing 1; minus strand). Cytogenetic location: 1p36.11.
Variant type: single nucleotide variant.
Coding change: c.4561A>G on transcript NM_001371928.1 (MANE Select); coding-DNA position 4561, A replaced by G.
Protein change: p.Met1521Val; replaces methionine 1521 with valine.
Molecular consequence: missense variant.
Genome position (GRCh38, 1-based): chr1:27,547,555, T>C on the plus strand (A>G on the coding strand, the complement: AHDC1 is on the minus strand). VCF-style: chr1-27547555-T-C. GRCh37 (hg19) VCF-style: chr1-27874066-T-C.
Other names: c.4561A>G, p.Met1521Val (NM_001029882.3); c.517A>G, p.Met173Val (NM_015699.1); short protein forms M1521V, M173V.
Identifiers: ClinVar variation 1991363 (VCV001991363.4), dbSNP rs2019236041, ClinGen allele CA339220787.